The following is an entry in ClinVar:

ClinVar aggregate classification (germline): Uncertain significance (1 of 4 stars; one submission).

Conditions:
Developmental and epileptic encephalopathy, 9 (DEE9). Also called: JUBERG-HELLMAN SYNDROME; Early infantile epileptic encephalopathy 9; EPILEPSY, FEMALE-RESTRICTED, WITH MENTAL RETARDATION; PCDH19-Related X-Linked Female-Limited Epilepsy with Mental Retardation. Identifiers: Orphanet 101039, Orphanet 2076, MedGen C1848137, MONDO:0010246, OMIM 300088. Disease mechanism: loss of function.

gnomAD v4.1: 9 of 1,209,350 alleles (0.00074%); highest among the groups gnomAD compares: Middle Eastern, 0.046%; no homozygotes.

Submission:

Labcorp Genetics (formerly Invitae), Labcorp
Classification: Uncertain significance for Developmental and epileptic encephalopathy, 9. Last evaluated: 2025-01-22. Review status: criteria provided, single submitter. Criteria: Invitae Variant Classification Sherloc (09022015). Collection method: clinical testing. Allele origin: germline.
Comment: This sequence change replaces proline, which is neutral and non-polar, with arginine, which is basic and polar, at codon 978 of the PCDH19 protein (p.Pro978Arg). This variant is present in population databases (rs375911351, gnomAD 0.003%). This variant has not been reported in the literature in individuals affected with PCDH19-related conditions. Invitae Evidence Modeling of protein sequence and biophysical properties (such as structural, functional, and spatial information, amino acid conservation, physicochemical variation, residue mobility, and thermodynamic stability) has been performed for this missense variant. However, the output from this modeling did not meet the statistical confidence thresholds required to predict the impact of this variant on PCDH19 protein function. In summary, the available evidence is currently insufficient to determine the role of this variant in disease. Therefore, it has been classified as a Variant of Uncertain Significance.

NM_001184880.2(PCDH19):c.2933C>G (p.Pro978Arg)

Gene: PCDH19 (protocadherin 19; minus strand). Cytogenetic location: Xq22.1.
Variant type: single nucleotide variant.
Coding change: c.2933C>G on transcript NM_001184880.2 (MANE Select); coding-DNA position 2933, C replaced by G.
Protein change: p.Pro978Arg; replaces proline 978 with arginine.
Molecular consequence: missense variant.
Genome position (GRCh38, 1-based): chrX:100,296,791, G>C on the plus strand (C>G on the coding strand, the complement: PCDH19 is on the minus strand). VCF-style: chrX-100296791-G-C. GRCh37 (hg19) VCF-style: chrX-99551789-G-C.
Other names: c.2792C>G, p.Pro931Arg (NM_001105243.2); c.2789C>G, p.Pro930Arg (NM_020766.3); short protein forms P930R, P931R, P978R.
Identifiers: ClinVar variation 3619675 (VCV003619675.2).